The following is an entry in ClinVar:

ClinVar aggregate classification (germline): Uncertain significance. Review status: criteria provided, multiple submitters, no conflicts (2 of 4 stars). 2 submissions from 2 submitters: Uncertain significance (2). Last evaluated 2023-08-10.

Conditions:
Inborn genetic diseases. Identifiers: MedGen C0950123, MeSH D030342.

Allele frequency attached by ClinVar (database versions not stated): ExAC 0.00001; gnomAD exomes 0.00001; TOPMed 0.00002.
gnomAD v4.1: 22 of 1,613,716 alleles (0.0014%); highest among the groups gnomAD compares: Non-Finnish European, 0.0019%; no homozygotes.

Submissions (2):

Labcorp Genetics (formerly Invitae), Labcorp
Classification: Uncertain significance. Last evaluated: 2023-08-10. Review status: criteria provided, single submitter. Criteria: Invitae Variant Classification Sherloc (09022015). Collection method: clinical testing. Allele origin: germline.
Comment: In summary, the available evidence is currently insufficient to determine the role of this variant in disease. Therefore, it has been classified as a Variant of Uncertain Significance. Experimental studies and prediction algorithms are not available or were not evaluated, and the functional significance of this variant is currently unknown. ClinVar contains an entry for this variant (Variation ID: 2528000). This variant has not been reported in the literature in individuals affected with MMP14-related conditions. This variant is present in population databases (rs749088113, gnomAD 0.002%). This sequence change replaces leucine, which is neutral and non-polar, with phenylalanine, which is neutral and non-polar, at codon 25 of the MMP14 protein (p.Leu25Phe).

Ambry Genetics
Classification: Uncertain significance for Inborn genetic diseases. Last evaluated: 2023-03-22. Review status: criteria provided, single submitter. Criteria: Ambry Variant Classification Scheme 2023. Collection method: clinical testing. Allele origin: germline.

NM_004995.4(MMP14):c.73C>T (p.Leu25Phe)

Gene: MMP14 (matrix metallopeptidase 14; plus strand). Cytogenetic location: 14q11.2.
Variant type: single nucleotide variant.
Coding change: c.73C>T on transcript NM_004995.4 (MANE Select); coding-DNA position 73, C replaced by T.
Protein change: p.Leu25Phe; replaces leucine 25 with phenylalanine.
Molecular consequence: missense variant.
Genome position (GRCh38, 1-based): chr14:22,836,890, C>T. VCF-style: chr14-22836890-C-T. GRCh37 (hg19) VCF-style: chr14-23306099-C-T.
Other names: short protein forms L25F.
Identifiers: ClinVar variation 2528000 (VCV002528000.5), dbSNP rs749088113, ClinGen allele CA7105035.
Genomic context (GRCh38, chr14:22,836,890, plus strand): 5'-CCAAGACCCCCCCGTTGTCTCCTGCTCCCCCTGCTCACGCTCGGCACCGCGCTCGCCTCC[C>T]TCGGCTCGGCCCAAAGCAGCAGCTTCAGCCCCGAAGTAAGTGAGCTTCCCGGCCCTTCCC-3'
Protein context (NP_004986.1, residues 15-35): LLTLGTALAS[Leu25Phe]GSAQSSSFSP